The following is an entry in ClinVar:

NM_006660.5(CLPX):c.1028C>G (p.Ala343Gly)

Gene: CLPX (caseinolytic mitochondrial matrix peptidase chaperone subunit X; minus strand). Cytogenetic location: 15q22.31.
Variant type: single nucleotide variant.
Coding change: c.1028C>G on transcript NM_006660.5 (MANE Select); coding-DNA position 1028, C replaced by G.
Protein change: p.Ala343Gly; replaces alanine 343 with glycine.
Molecular consequence: missense variant. On other transcripts: non-coding transcript variant (1).
Genome position (GRCh38, 1-based): chr15:65,157,775, G>C on the plus strand (C>G on the coding strand, the complement: CLPX is on the minus strand). VCF-style: chr15-65157775-G-C. GRCh37 (hg19) VCF-style: chr15-65450113-G-C.
Other names: short protein forms A343G.
Identifiers: ClinVar variation 4695903 (VCV004695903.1).

ClinVar aggregate classification (germline): Uncertain significance (1 of 4 stars; one submission).

gnomAD v4.1: 9 of 1,613,342 alleles (0.00056%); highest among the groups gnomAD compares: Middle Eastern, 0.049%; no homozygotes.

Submission:

Labcorp Genetics (formerly Invitae), Labcorp
Classification: Uncertain significance. Last evaluated: 2025-10-26. Review status: criteria provided, single submitter. Criteria: Invitae Variant Classification Sherloc (09022015). Collection method: clinical testing. Allele origin: germline.
Comment: This sequence change replaces alanine, which is neutral and non-polar, with glycine, which is neutral and non-polar, at codon 343 of the CLPX protein (p.Ala343Gly). This variant is present in population databases (rs779841328, gnomAD 0.003%). This variant has not been reported in the literature in individuals affected with CLPX-related conditions. Invitae Evidence Modeling of protein sequence and biophysical properties (such as structural, functional, and spatial information, amino acid conservation, physicochemical variation, residue mobility, and thermodynamic stability) indicates that this missense variant is expected to disrupt CLPX protein function with a positive predictive value of 80%. In summary, the available evidence is currently insufficient to determine the role of this variant in disease. Therefore, it has been classified as a Variant of Uncertain Significance.